The following is an entry in ClinVar:

ClinVar aggregate classification (germline): Uncertain significance (1 of 4 stars; one submission).

Submission:

GeneDx
Classification: Uncertain significance. Last evaluated: 2024-11-12. Review status: criteria provided, single submitter. Criteria: GeneDx Variant Classification Process June 2021. Collection method: clinical testing. Allele origin: germline. Affected: yes.
Comment: Not observed at significant frequency in large population cohorts (gnomAD); In silico analysis indicates that this missense variant does not alter protein structure/function; Has not been previously published as pathogenic or benign to our knowledge

NM_005097.4(LGI1):c.602A>G (p.Glu201Gly)

Gene: LGI1 (leucine rich glioma inactivated 1; plus strand). Cytogenetic location: 10q23.33.
Variant type: single nucleotide variant.
Coding change: c.602A>G on transcript NM_005097.4 (MANE Select); coding-DNA position 602, A replaced by G.
Protein change: p.Glu201Gly; replaces glutamic acid 201 with glycine.
Molecular consequence: missense variant. On other transcripts: non-coding transcript variant (1).
Genome position (GRCh38, 1-based): chr10:93,792,841, A>G. VCF-style: chr10-93792841-A-G. GRCh37 (hg19) VCF-style: chr10-95552598-A-G.
Other names: c.602A>G, p.Glu201Gly (NM_001308275.2); c.458A>G, p.Glu153Gly (NM_001308276.2); short protein forms E153G, E201G.
Identifiers: ClinVar variation 3899183 (VCV003899183.1).